The following is an entry in ClinVar:

NM_006996.3(SLC19A2):c.1171G>A (p.Ala391Thr)

Gene: SLC19A2 (solute carrier family 19 member 2; minus strand). Cytogenetic location: 1q24.2.
Variant type: single nucleotide variant.
Coding change: c.1171G>A on transcript NM_006996.3 (MANE Select); coding-DNA position 1171, G replaced by A.
Protein change: p.Ala391Thr; replaces alanine 391 with threonine.
Molecular consequence: missense variant.
Genome position (GRCh38, 1-based): chr1:169,468,696, C>T on the plus strand (G>A on the coding strand, the complement: SLC19A2 is on the minus strand). VCF-style: chr1-169468696-C-T. GRCh37 (hg19) VCF-style: chr1-169437934-C-T.
Other names: c.568G>A, p.Ala190Thr (NM_001319667.1); c.1171G>A (NM_006996.2); short protein forms A190T, A391T.
Identifiers: ClinVar variation 1435351 (VCV001435351.7), dbSNP rs756721026, ClinGen allele CA1232908.

ClinVar aggregate classification (germline): Conflicting classifications of pathogenicity. Review status: criteria provided, conflicting classifications (1 of 4 stars). 3 submissions from 3 submitters: Uncertain significance (2); Likely benign (1). Last evaluated 2024-10-11.

Allele frequency attached by ClinVar (database versions not stated): gnomAD exomes 0.00003 and 0.00012; ExAC 0.00004; TOPMed 0.00004; gnomAD 0.00005.

Submissions (3):

GeneDx
Classification: Uncertain significance. Last evaluated: 2024-10-11. Review status: criteria provided, single submitter. Criteria: GeneDx Variant Classification Process June 2021. Collection method: clinical testing. Allele origin: germline. Affected: yes.
Comment: Not observed at significant frequency in large population cohorts (gnomAD); In silico analysis indicates that this missense variant does not alter protein structure/function; Has not been previously published as pathogenic or benign to our knowledge

Blueprint Genetics
Classification: Likely benign. Last evaluated: 2023-09-13. Review status: criteria provided, single submitter. Criteria: ACMG Guidelines, 2015. Collection method: clinical testing. Allele origin: germline.

Labcorp Genetics (formerly Invitae), Labcorp
Classification: Uncertain significance. Last evaluated: 2021-09-17. Review status: criteria provided, single submitter. Criteria: Invitae Variant Classification Sherloc (09022015). Collection method: clinical testing. Allele origin: germline.
Comment: This sequence change replaces alanine with threonine at codon 391 of the SLC19A2 protein (p.Ala391Thr). The alanine residue is weakly conserved and there is a small physicochemical difference between alanine and threonine. This variant is present in population databases (rs756721026, ExAC 0.01%). This variant has not been reported in the literature in individuals affected with SLC19A2-related conditions. Advanced modeling of protein sequence and biophysical properties (such as structural, functional, and spatial information, amino acid conservation, physicochemical variation, residue mobility, and thermodynamic stability) performed at Invitae indicates that this missense variant is not expected to disrupt SLC19A2 protein function. In summary, the available evidence is currently insufficient to determine the role of this variant in disease. Therefore, it has been classified as a Variant of Uncertain Significance.